The following is an entry in ClinVar:

NM_007294.4(BRCA1):c.4986+3G>T

Gene: BRCA1 (BRCA1 DNA repair associated; minus strand). Cytogenetic location: 17q21.31.
Variant type: single nucleotide variant.
Coding change: c.4986+3G>T on transcript NM_007294.4 (MANE Select); 3 bases into the intron after coding-DNA position 4986, G replaced by T.
Molecular consequence: intron variant.
Genome position (GRCh38, 1-based): chr17:43,070,925, C>A on the plus strand (G>T on the coding strand, the complement: BRCA1 is on the minus strand). VCF-style: chr17-43070925-C-A. GRCh37 (hg19) VCF-style: chr17-41222942-C-A.
Other names: c.1533+3G>T (NM_001408458.1, NM_001408461.1, NM_001408464.1 and 7 more transcripts); c.4095+3G>T (NM_001407967.1); c.4605+3G>T (NM_001407959.1); c.4719+3G>T (NM_001407931.1, NM_001407932.1, NM_001407928.1 and 4 more transcripts); c.4842+3G>T (NM_001407747.1, NM_001407745.1, NM_001407737.1 and 21 more transcripts); c.4602+3G>T (NM_001407962.1, NM_001407960.1); c.1173+3G>T (NM_001408512.1); c.1296+3G>T (NM_001408510.1); and 71 more.
Identifiers: ClinVar variation 868482 (VCV000868482.4), dbSNP rs80358023, ClinGen allele CA916080194.
Genomic context (GRCh38, chr17:43,070,925, plus strand): 5'-AAAACTCTTTCCAGAATGTTGTTAAGTCTTAGTCATTAGGGAGATACATATGGATACACT[C>A]ACAAATTCTTCTGGGGTCAGGCCAGACACCACCATGGACATTCTTTTGTTGACCCTTTCT-3'

ClinVar aggregate classification (germline): Likely pathogenic (1 of 4 stars; one submission).

Conditions:
Hereditary cancer-predisposing syndrome. Also called: Neoplastic Syndromes, Hereditary; Tumor predisposition; Hereditary Cancer Syndrome; Hereditary neoplastic syndrome. Identifiers: Orphanet 140162, MedGen C0027672, MeSH D009386, MONDO:0015356.

Submissions (2):

Ambry Genetics
Classification: Likely pathogenic for Hereditary cancer-predisposing syndrome. Last evaluated: 2024-08-19. Review status: criteria provided, single submitter. Criteria: Ambry Variant Classification Scheme 2023. Collection method: clinical testing. Allele origin: germline.
Comment: The c.4986+3G>T intronic variant results from a G to T substitution 3 nucleotides after coding exon 14 in the BRCA1 gene. One functional study found that this nucleotide substitution is non-functional in a high throughput genome editing haploid cell survival assay (Findlay GM et al. Nature, 2018 Oct;562:217-222). This nucleotide position is well conserved in available vertebrate species. In silico splice site analysis predicts that this alteration will weaken the native splice donor site. This variant is considered to be rare based on population cohorts in the Genome Aggregation Database (gnomAD). Based on the majority of available evidence to date, this variant is likely to be pathogenic.

Brotman Baty Institute, University of Washington
No classification provided (evidence only). Condition: Breast-ovarian cancer, familial 1. Review status: no classification provided. Collection method: in vitro. Allele origin: not applicable. Functional consequence: functionally_abnormal. Not counted in ClinVar's aggregate classification.
ClinVar note: "not provided" was previously submitted as the classification for the variant. However, the classification appeared to be based only on an observation of functional data so it was converted to no classification on 2025-07-30.

Literature cited by the submitters: PubMed 30209399 (cited by Ambry Genetics).